The following is an entry in ClinVar:

ClinVar aggregate classification (germline): Uncertain significance. Review status: criteria provided, multiple submitters, no conflicts (2 of 4 stars). 4 submissions from 4 submitters: Uncertain significance (4). Last evaluated 2025-05-29.

Conditions:
Inborn genetic diseases. Identifiers: MedGen C0950123, MeSH D030342.

Allele frequency attached by ClinVar (database versions not stated): gnomAD exomes 0.00002 and 0.00013; gnomAD 0.00009 and 0.00008.
gnomAD v4.1: 185 of 1,551,176 alleles (0.012%); highest among the groups gnomAD compares: Non-Finnish European, 0.016%; no homozygotes.

Submissions (4):

Labcorp Genetics (formerly Invitae), Labcorp
Classification: Uncertain significance. Last evaluated: 2025-05-29. Review status: criteria provided, single submitter. Criteria: Invitae Variant Classification Sherloc (09022015). Collection method: clinical testing. Allele origin: germline.
Comment: This sequence change replaces aspartic acid, which is acidic and polar, with asparagine, which is neutral and polar, at codon 233 of the TRAF3IP1 protein (p.Asp233Asn). This variant is present in population databases (rs745667152, gnomAD 0.008%). This variant has not been reported in the literature in individuals affected with TRAF3IP1-related conditions. ClinVar contains an entry for this variant (Variation ID: 1055535). Invitae Evidence Modeling of protein sequence and biophysical properties (such as structural, functional, and spatial information, amino acid conservation, physicochemical variation, residue mobility, and thermodynamic stability) indicates that this missense variant is not expected to disrupt TRAF3IP1 protein function with a negative predictive value of 80%. In summary, the available evidence is currently insufficient to determine the role of this variant in disease. Therefore, it has been classified as a Variant of Uncertain Significance.

Mayo Clinic Laboratories, Mayo Clinic
Classification: Uncertain significance. Last evaluated: 2024-03-15. Review status: criteria provided, single submitter. Criteria: ACMG Guidelines, 2015. Collection method: clinical testing. Allele origin: germline. Observed: 1 variant allele.
Comment: BP4

Blueprint Genetics
Classification: Uncertain significance. Last evaluated: 2023-10-13. Review status: criteria provided, single submitter. Criteria: ACMG Guidelines, 2015. Collection method: clinical testing. Allele origin: germline.

Ambry Genetics
Classification: Uncertain significance for Inborn genetic diseases. Last evaluated: 2022-11-21. Review status: criteria provided, single submitter. Criteria: Ambry Variant Classification Scheme 2023. Collection method: clinical testing. Allele origin: germline.

NM_015650.4(IFT54):c.697G>A (p.Asp233Asn)

Gene: IFT54 (intraflagellar transport 54; plus strand). Cytogenetic location: 2q37.3.
Variant type: single nucleotide variant.
Coding change: c.697G>A on transcript NM_015650.4 (MANE Select); coding-DNA position 697, G replaced by A.
Protein change: p.Asp233Asn; replaces aspartic acid 233 with asparagine.
Molecular consequence: missense variant.
Genome position (GRCh38, 1-based): chr2:238,329,124, G>A. VCF-style: chr2-238329124-G-A. GRCh37 (hg19) VCF-style: chr2-239237765-G-A.
Other names: p.Asp233Asn; c.697G>A, p.Asp233Asn (NM_001139490.1); c.697G>A (NM_015650.3); short protein forms D233N.
Identifiers: ClinVar variation 1055535 (VCV001055535.9), dbSNP rs745667152, ClinGen allele CA2198117.